The following is an entry in ClinVar:

ClinVar aggregate classification (germline): Likely benign (1 of 4 stars; one submission).

Conditions:
Familial cancer of breast. Also called: hereditary breast carcinoma; BREAST CANCER, FAMILIAL; Hereditary breast cancer. Identifiers: Orphanet 227535, MedGen C0346153, MONDO:0016419, OMIM 114480. Disease mechanism: loss of function.

Submission:

Myriad Genetics, Inc.
Classification: Likely benign for Familial cancer of breast. Last evaluated: 2024-06-18. Review status: criteria provided, single submitter. Criteria: Myriad Autosomal Dominant, Autosomal Recessive and X-Linked Classification Criteria (2023). Collection method: clinical testing. Allele origin: unknown.
Comment: This variant is considered likely benign. This variant is intronic and is not expected to impact mRNA splicing.

NM_000051.4(ATM):c.8011-13A>G

Genes: ATM (ATM serine/threonine kinase; plus strand), C11orf65 (chromosome 11 open reading frame 65; minus strand). Cytogenetic location: 11q22.3.
Variant type: single nucleotide variant.
Coding change: c.8011-13A>G on transcript NM_000051.4 (MANE Select); 13 bases into the intron before coding-DNA position 8011, A replaced by G.
Molecular consequence: intron variant.
Genome position (GRCh38, 1-based): chr11:108,334,956, A>G. VCF-style: chr11-108334956-A-G. GRCh37 (hg19) VCF-style: chr11-108205683-A-G.
Other names: c.8011-13A>G (NM_001351834.2); c.641-25885T>C (NM_001330368.2); c.*38+264T>C (NM_001351110.2).
Identifiers: ClinVar variation 3254443 (VCV003254443.1), dbSNP rs1488113378.